The following is an entry in ClinVar:

ClinVar aggregate classification (germline): Uncertain significance. Review status: criteria provided, single submitter (1 of 4 stars). 2 submissions from 2 submitters: Uncertain significance (1). 1 of the submissions does not count toward it. Last evaluated 2023-05-18.

Conditions:
UGT1A1-related disorder. Also called: UGT1A1-related condition; UGT1A1-related disorders.

Allele frequency attached by ClinVar (database versions not stated): gnomAD exomes below 0.00001; ExAC 0.00001; gnomAD 0.00002; TOPMed 0.00002; ESP Exome Variant Server 0.00008.
gnomAD v4.1: 10 of 1,614,042 alleles (0.00062%); highest among the groups gnomAD compares: African/African-American, 0.0067%; no homozygotes.

Submissions (2):

Revvity Omics, Revvity
Classification: Uncertain significance. Last evaluated: 2023-05-18. Review status: criteria provided, single submitter. Criteria: ACMG Guidelines, 2015. Collection method: clinical testing. Allele origin: germline.

PreventionGenetics, part of Exact Sciences
Classification: Uncertain significance for UGT1A1-related condition. Last evaluated: 2023-12-18. Review status: no assertion criteria provided. Collection method: clinical testing. Allele origin: germline. Not counted in ClinVar's aggregate classification.
Comment: The UGT1A1 c.89T>C variant is predicted to result in the amino acid substitution p.Ile30Thr. To our knowledge, this variant has not been reported in the literature. This variant is reported in 0.012% of alleles in individuals of African descent in gnomAD. At this time, the clinical significance of this variant is uncertain due to the absence of conclusive functional and genetic evidence.

NM_000463.3(UGT1A1):c.89T>C (p.Ile30Thr)

Genes: UGT1A (UDP glucuronosyltransferase family 1 member A complex locus; plus strand), UGT1A1 (UDP glucuronosyltransferase family 1 member A1; plus strand), UGT1A10 (UDP glucuronosyltransferase family 1 member A10; plus strand), UGT1A3 (UDP glucuronosyltransferase family 1 member A3; plus strand), UGT1A4 (UDP glucuronosyltransferase family 1 member A4; plus strand) and 5 more. Cytogenetic location: 2q37.1.
Variant type: single nucleotide variant.
Coding change: c.89T>C on transcript NM_000463.3 (MANE Select); coding-DNA position 89, T replaced by C.
Protein change: p.Ile30Thr; replaces isoleucine 30 with threonine.
Molecular consequence: missense variant. On other transcripts: intron variant (9).
Genome position (GRCh38, 1-based): chr2:233,760,376, T>C. VCF-style: chr2-233760376-T-C. GRCh37 (hg19) VCF-style: chr2-234669022-T-C.
Other names: c.856-6658T>C (NM_019076.5, NM_019075.4, NM_021027.3 and 1 more transcripts); c.61-6658T>C (NM_205862.3); c.862-6658T>C (NM_001072.4); c.868-6658T>C (NM_019078.2, NM_007120.3, NM_019093.4); short protein forms I30T.
Identifiers: ClinVar variation 2690416 (VCV002690416.4), dbSNP rs375204962, ClinGen allele CA2179772.